The following is an entry in ClinVar:

ClinVar aggregate classification (germline): Uncertain significance (1 of 4 stars; one submission).

Conditions:
Xeroderma pigmentosum, group F (XPF). Also called: XERODERMA PIGMENTOSUM, COMPLEMENTATION GROUP F; XERODERMA PIGMENTOSUM VI; XP, GROUP F; ERCC4-Related Xeroderma Pigmentosum; XERODERMA PIGMENTOSUM, TYPE F; Xeroderma pigmentosum, type 6. Identifiers: MedGen C0268140, MONDO:0010215, OMIM 278760.
Fanconi anemia complementation group Q. Identifiers: Orphanet 84, MedGen C3808988, MONDO:0014108, OMIM 615272.
Cockayne syndrome. Identifiers: Orphanet 191, MedGen C0009207, MONDO:0016006.

Submission:

Labcorp Genetics (formerly Invitae), Labcorp
Classification: Uncertain significance for Fanconi anemia complementation group Q; Xeroderma pigmentosum, group F; Cockayne syndrome. Last evaluated: 2023-01-02. Review status: criteria provided, single submitter. Criteria: Invitae Variant Classification Sherloc (09022015). Collection method: clinical testing. Allele origin: germline.
Comment: This variant has not been reported in the literature in individuals affected with ERCC4-related conditions. This variant is not present in population databases (gnomAD no frequency). This sequence change replaces arginine, which is basic and polar, with proline, which is neutral and non-polar, at codon 150 of the ERCC4 protein (p.Arg150Pro). Advanced modeling of protein sequence and biophysical properties (such as structural, functional, and spatial information, amino acid conservation, physicochemical variation, residue mobility, and thermodynamic stability) performed at Invitae indicates that this missense variant is expected to disrupt ERCC4 protein function. In summary, the available evidence is currently insufficient to determine the role of this variant in disease. Therefore, it has been classified as a Variant of Uncertain Significance.

NM_005236.3(ERCC4):c.449G>C (p.Arg150Pro)

Gene: ERCC4 (ERCC excision repair 4, endonuclease catalytic subunit; plus strand). Cytogenetic location: 16p13.12.
Variant type: single nucleotide variant.
Coding change: c.449G>C on transcript NM_005236.3 (MANE Select); coding-DNA position 449, G replaced by C.
Protein change: p.Arg150Pro; replaces arginine 150 with proline.
Molecular consequence: missense variant.
Genome position (GRCh38, 1-based): chr16:13,926,621, G>C. VCF-style: chr16-13926621-G-C. GRCh37 (hg19) VCF-style: chr16-14020478-G-C.
Other names: short protein forms R150P.
Identifiers: ClinVar variation 2942903 (VCV002942903.3), dbSNP rs377014538, ClinGen allele CA394819766.
Genomic context (GRCh38, chr16:13,926,621, plus strand): 5'-GCATCTTGGTGTATAGAGCCCACAGAATAATCGAGTCTTGTCAAGAAGCATTCATCTTGC[G>C]CCTCTTTCGCCAGAAAAACAAACGTGGTTTTATTAAAGCTTTCACAGACAATGCTGTTGC-3'
Protein context (NP_005227.1, residues 140-160): IESCQEAFIL[Arg150Pro]LFRQKNKRGF